The following is an entry in ClinVar:

ClinVar aggregate classification (germline): Conflicting classifications of pathogenicity. Review status: criteria provided, conflicting classifications (1 of 4 stars). 3 submissions from 3 submitters: Uncertain significance (1); Likely benign (1). 1 of the submissions does not count toward it. Last evaluated 2018-12-04.

Conditions:
SLCO1B3-related disorder. Also called: SLCO1B3-related condition.
Rotor syndrome (HBLRR). Also called: HYPERBILIRUBINEMIA, ROTOR TYPE, DIGENIC; HYPERBILIRUBINEMIA, ROTOR TYPE. Identifiers: Orphanet 3111, MedGen C0220991, MONDO:0009379, OMIM 237450.

Allele frequency attached by ClinVar (database versions not stated): TOPMed 0.00009; gnomAD 0.00010; ExAC 0.00028; 1000 Genomes Project 0.00040; 1000 Genomes Project 30x 0.00047.
gnomAD v4.1: 267 of 1,613,130 alleles (0.017%); highest among the groups gnomAD compares: Admixed American, 0.04%; 1 homozygote.

Submissions (3):

Labcorp Genetics (formerly Invitae), Labcorp
Classification: Likely benign. Last evaluated: 2018-12-04. Review status: criteria provided, single submitter. Criteria: Invitae Variant Classification Sherloc (09022015). Collection method: clinical testing. Allele origin: germline.

Illumina Laboratory Services, Illumina
Classification: Uncertain significance for Rotor syndrome. Last evaluated: 2018-01-13. Review status: criteria provided, single submitter. Criteria: ICSL Variant Classification Criteria 13 December 2019. Collection method: clinical testing. Allele origin: germline.

PreventionGenetics, part of Exact Sciences
Classification: Likely benign for SLCO1B3-related condition. Last evaluated: 2024-02-23. Review status: no assertion criteria provided. Collection method: clinical testing. Allele origin: germline. Not counted in ClinVar's aggregate classification.
Comment: This variant is classified as likely benign based on ACMG/AMP sequence variant interpretation guidelines (Richards et al. 2015 PMID: 25741868, with internal and published modifications).

NM_019844.4(SLCO1B3):c.542G>A (p.Arg181His)

Genes: SLCO1B3 (solute carrier organic anion transporter family member 1B3; plus strand), SLCO1B3-SLCO1B7 (SLCO1B3-SLCO1B7 readthrough; plus strand). Cytogenetic location: 12p12.2.
Variant type: single nucleotide variant.
Coding change: c.542G>A on transcript NM_019844.4 (MANE Select); coding-DNA position 542, G replaced by A.
Protein change: p.Arg181His; replaces arginine 181 with histidine.
Molecular consequence: missense variant.
Genome position (GRCh38, 1-based): chr12:20,862,472, G>A. VCF-style: chr12-20862472-G-A. GRCh37 (hg19) VCF-style: chr12-21015406-G-A.
Other names: c.458G>A, p.Arg153His (NM_001349920.2); short protein forms R181H, R153H.
Identifiers: ClinVar variation 307890 (VCV000307890.10), dbSNP rs180875376, ClinGen allele CA6475234.